The following is an entry in ClinVar:

NM_000292.3(PHKA2):c.3029dup (p.Met1010fs)

Gene: PHKA2 (phosphorylase kinase regulatory subunit alpha 2; minus strand). Cytogenetic location: Xp22.13.
Variant type: Duplication.
Coding change: c.3029dup on transcript NM_000292.3 (MANE Select); coding-DNA position 3029, one base duplicated (T; older notation c.3029dupT).
Protein change: p.Met1010fs; shifts the reading frame from methionine 1010.
Molecular consequence: frameshift variant.
Genome position (GRCh38, 1-based): chrX:18,900,698, A duplicated on the plus strand (T on the coding strand, the reverse complement: PHKA2 is on the minus strand). VCF-style (leftmost placement, unchanged base first): chrX-18900697-C-CA. GRCh37 (hg19) VCF-style: chrX-18918815-C-CA.
Other names: short protein forms M1010fs.
Identifiers: ClinVar variation 3660219 (VCV003660219.2).

ClinVar aggregate classification (germline): Pathogenic (1 of 4 stars; one submission).

Conditions:
Glycogen storage disease IXa1. Also called: LIVER GLYCOGENOSIS, X-LINKED, TYPE I; GLYCOGEN STORAGE DISEASE VIII; GSD VIII; Glycogen storage disease 8. Identifiers: Orphanet 264580, MedGen C3694531, MONDO:0010598, OMIM 306000.

Submission:

Labcorp Genetics (formerly Invitae), Labcorp
Classification: Pathogenic for Glycogen storage disease IXa1. Last evaluated: 2025-06-11. Review status: criteria provided, single submitter. Criteria: Invitae Variant Classification Sherloc (09022015). Collection method: clinical testing. Allele origin: germline.
Comment: This sequence change creates a premature translational stop signal (p.Met1010Ilefs*3) in the PHKA2 gene. It is expected to result in an absent or disrupted protein product. Loss-of-function variants in PHKA2 are known to be pathogenic (PMID: 7711737, 10330341). This variant is not present in population databases (gnomAD no frequency). This variant has not been reported in the literature in individuals affected with PHKA2-related conditions. ClinVar contains an entry for this variant (Variation ID: 3660219). For these reasons, this variant has been classified as Pathogenic.

Literature cited by the submitters: PubMed 7711737; PubMed 10330341.